The following is an entry in ClinVar:

ClinVar aggregate classification (germline): Benign/Likely benign. Review status: criteria provided, multiple submitters, no conflicts (2 of 4 stars). 6 submissions from 6 submitters: Benign (1); Likely benign (5). Last evaluated 2026-07-01.

Allele frequency attached by ClinVar (database versions not stated): 1000 Genomes Project 0.00100; 1000 Genomes Project 30x 0.00125; TOPMed 0.00151; ESP Exome Variant Server 0.00154; gnomAD 0.00160 and 0.00165.
gnomAD v4.1: 4,052 of 1,591,200 alleles (0.25%); highest among the groups gnomAD compares: Middle Eastern, 0.59%; 7 homozygotes.

Submissions (6):

CeGaT Center for Human Genetics Tuebingen
Classification: Likely benign. Last evaluated: 2026-07-01. Review status: criteria provided, single submitter. Criteria: CeGaT Center For Human Genetics Tuebingen Variant Classification Criteria Version 2. Collection method: clinical testing. Allele origin: germline. Affected: yes. Observed: 4 variant alleles.
Comment: DCHS1: BP4, BP7

Labcorp Genetics (formerly Invitae), Labcorp
Classification: Benign. Last evaluated: 2026-02-01. Review status: criteria provided, single submitter. Criteria: Invitae Variant Classification Sherloc (09022015). Collection method: clinical testing. Allele origin: germline.

Blueprint Genetics
Classification: Likely benign. Last evaluated: 2024-11-25. Review status: criteria provided, single submitter. Criteria: ACMG Guidelines, 2015. Collection method: clinical testing. Allele origin: germline.

Women's Health and Genetics/Laboratory Corporation of America, LabCorp
Classification: Likely benign. Last evaluated: 2024-02-19. Review status: criteria provided, single submitter. Criteria: LabCorp Variant Classification Summary - May 2015. Collection method: clinical testing. Allele origin: germline.

GeneDx
Classification: Likely benign. Last evaluated: 2020-04-27. Review status: criteria provided, single submitter. Criteria: GeneDx Variant Classification Process June 2021. Collection method: clinical testing. Allele origin: germline. Affected: yes.

Breakthrough Genomics
Classification: Likely benign. Review status: criteria provided, single submitter. Criteria: ACMG Guidelines, 2015. Collection method: not provided. Allele origin: germline. Inheritance: Autosomal recessive inheritance. Affected: yes.

NM_003737.4(DCHS1):c.1794G>T (p.Leu598=)

Gene: DCHS1 (dachsous cadherin-related 1; minus strand). Cytogenetic location: 11p15.4.
Variant type: single nucleotide variant.
Coding change: c.1794G>T on transcript NM_003737.4 (MANE Select); coding-DNA position 1794, G replaced by T.
Protein change: p.Leu598=; no amino-acid change (leucine 598 retained).
Molecular consequence: synonymous variant.
Genome position (GRCh38, 1-based): chr11:6,639,820, C>A on the plus strand (G>T on the coding strand, the complement: DCHS1 is on the minus strand). VCF-style: chr11-6639820-C-A. GRCh37 (hg19) VCF-style: chr11-6661051-C-A.
Identifiers: ClinVar variation 708104 (VCV000708104.47), dbSNP rs111908402, ClinGen allele CA5860901.